The following is an entry in ClinVar:

ClinVar aggregate classification (germline): Uncertain significance. Review status: criteria provided, multiple submitters, no conflicts (2 of 4 stars). 2 submissions from 2 submitters: Uncertain significance (2). Last evaluated 2023-12-28.

Conditions:
Inborn genetic diseases. Identifiers: MedGen C0950123, MeSH D030342.

Allele frequency attached by ClinVar (database versions not stated): gnomAD exomes 0.00001; TOPMed 0.00001; gnomAD 0.00002.
gnomAD v4.1: 17 of 1,613,846 alleles (0.0011%); highest among the groups gnomAD compares: Non-Finnish European, 0.0014%; no homozygotes.

Submissions (2):

Labcorp Genetics (formerly Invitae), Labcorp
Classification: Uncertain significance. Last evaluated: 2023-12-28. Review status: criteria provided, single submitter. Criteria: Invitae Variant Classification Sherloc (09022015). Collection method: clinical testing. Allele origin: germline.
Comment: This sequence change replaces glycine, which is neutral and non-polar, with arginine, which is basic and polar, at codon 308 of the KMT2E protein (p.Gly308Arg). The frequency data for this variant in the population databases is considered unreliable, as metrics indicate poor data quality at this position in the gnomAD database. This variant has not been reported in the literature in individuals affected with KMT2E-related conditions. ClinVar contains an entry for this variant (Variation ID: 2471887). Advanced modeling of protein sequence and biophysical properties (such as structural, functional, and spatial information, amino acid conservation, physicochemical variation, residue mobility, and thermodynamic stability) performed at Invitae indicates that this missense variant is not expected to disrupt KMT2E protein function with a negative predictive value of 80%. In summary, the available evidence is currently insufficient to determine the role of this variant in disease. Therefore, it has been classified as a Variant of Uncertain Significance.

Ambry Genetics
Classification: Uncertain significance for Inborn genetic diseases. Last evaluated: 2023-02-16. Review status: criteria provided, single submitter. Criteria: Ambry Variant Classification Scheme 2023. Collection method: clinical testing. Allele origin: germline.

NM_182931.3(KMT2E):c.922G>C (p.Gly308Arg)

Gene: KMT2E (lysine methyltransferase 2E (inactive); plus strand). Cytogenetic location: 7q22.3.
Variant type: single nucleotide variant.
Coding change: c.922G>C on transcript NM_182931.3 (MANE Select); coding-DNA position 922, G replaced by C.
Protein change: p.Gly308Arg; replaces glycine 308 with arginine.
Molecular consequence: missense variant.
Genome position (GRCh38, 1-based): chr7:105,077,116, G>C. VCF-style: chr7-105077116-G-C. GRCh37 (hg19) VCF-style: chr7-104717563-G-C.
Other names: c.922G>C, p.Gly308Arg (NM_001410908.1, NM_018682.4); short protein forms G308R.
Identifiers: ClinVar variation 2471887 (VCV002471887.5), dbSNP rs1258261150, ClinGen allele CA368777749.